The following is an entry in ClinVar:

NM_173728.4(ARHGEF15):c.1706A>G (p.Asn569Ser)

Gene: ARHGEF15 (Rho guanine nucleotide exchange factor 15; plus strand). Cytogenetic location: 17p13.1.
Variant type: single nucleotide variant.
Coding change: c.1706A>G on transcript NM_173728.4 (MANE Select); coding-DNA position 1706, A replaced by G.
Protein change: p.Asn569Ser; replaces asparagine 569 with serine.
Molecular consequence: missense variant.
Genome position (GRCh38, 1-based): chr17:8,318,388, A>G. VCF-style: chr17-8318388-A-G. GRCh37 (hg19) VCF-style: chr17-8221706-A-G.
Other names: c.1706A>G, p.Asn569Ser (NM_025014.2); short protein forms N569S.
Identifiers: ClinVar variation 1925376 (VCV001925376.5), dbSNP rs2543945893, ClinGen allele CA398022550.

ClinVar aggregate classification (germline): Uncertain significance (1 of 4 stars; one submission).

Conditions:
Early-infantile DEE. Also called: Ohtahara syndrome; Early infantile epileptic encephalopathy with suppression bursts; Early infantile epileptic encephalopathy. Identifiers: Orphanet 1934, MedGen C0393706, MONDO:0800491.

Allele frequency attached by ClinVar (database versions not stated): gnomAD exomes below 0.00001.
gnomAD v4.1: 1 of 1,613,716 alleles (0.000062%); highest among the groups gnomAD compares: Non-Finnish European, 0.000085%; no homozygotes.

Submission:

Labcorp Genetics (formerly Invitae), Labcorp
Classification: Uncertain significance for Early-infantile DEE. Last evaluated: 2022-10-07. Review status: criteria provided, single submitter. Criteria: Invitae Variant Classification Sherloc (09022015). Collection method: clinical testing. Allele origin: germline.
Comment: This sequence change replaces asparagine, which is neutral and polar, with serine, which is neutral and polar, at codon 569 of the ARHGEF15 protein (p.Asn569Ser). This variant is not present in population databases (gnomAD no frequency). This variant has not been reported in the literature in individuals affected with ARHGEF15-related conditions. Algorithms developed to predict the effect of missense changes on protein structure and function are either unavailable or do not agree on the potential impact of this missense change (SIFT: "Tolerated"; PolyPhen-2: "Possibly Damaging"; Align-GVGD: "Class C0"). Algorithms developed to predict the effect of sequence changes on RNA splicing suggest that this variant may create or strengthen a splice site. In summary, the available evidence is currently insufficient to determine the role of this variant in disease. Therefore, it has been classified as a Variant of Uncertain Significance.